The following is an entry in ClinVar:

ClinVar aggregate classification (germline): Likely benign. Review status: criteria provided, multiple submitters, no conflicts (2 of 4 stars). 2 submissions from 2 submitters: Likely benign (2). Last evaluated 2018-06-14.

Allele frequency attached by ClinVar (database versions not stated): 1000 Genomes Project 30x 0.01234; 1000 Genomes Project 0.01278; TOPMed 0.02061; gnomAD 0.02224 and 0.02262; gnomAD exomes 0.02944.
gnomAD v4.1: 35,030 of 1,230,194 alleles (2.8%); highest among the groups gnomAD compares: Non-Finnish European, 3.4%; 596 homozygotes.

Submissions (2):

GeneDx
Classification: Likely benign. Last evaluated: 2018-06-14. Review status: criteria provided, single submitter. Criteria: GeneDx Variant Classification (06012015). Collection method: clinical testing. Allele origin: germline. Affected: yes.
Comment: This variant is considered likely benign or benign based on one or more of the following criteria: it is a conservative change, it occurs at a poorly conserved position in the protein, it is predicted to be benign by multiple in silico algorithms, and/or has population frequency not consistent with disease.

Breakthrough Genomics
Classification: Likely benign. Review status: criteria provided, single submitter. Criteria: ACMG Guidelines, 2015. Collection method: not provided. Allele origin: germline. Inheritance: Autosomal recessive inheritance. Affected: yes.

NM_020745.4(AARS2):c.243+151G>A

Gene: AARS2 (alanyl-tRNA synthetase 2, mitochondrial; minus strand). Cytogenetic location: 6p21.1.
Variant type: single nucleotide variant.
Coding change: c.243+151G>A on transcript NM_020745.4 (MANE Select); 151 bases into the intron after coding-DNA position 243, G replaced by A.
Molecular consequence: intron variant.
Genome position (GRCh38, 1-based): chr6:44,312,930, C>T on the plus strand (G>A on the coding strand, the complement: AARS2 is on the minus strand). VCF-style: chr6-44312930-C-T. GRCh37 (hg19) VCF-style: chr6-44280667-C-T.
Identifiers: ClinVar variation 671195 (VCV000671195.2), dbSNP rs17288082, ClinGen allele CA138395847.